The following is an entry in ClinVar:

ClinVar aggregate classification (germline): Uncertain significance (1 of 4 stars; one submission).

gnomAD v4.1: 1 of 1,564,090 alleles (0.000064%); highest among the groups gnomAD compares: Non-Finnish European, 0.000087%; no homozygotes.

Submission:

Ambry Genetics
Classification: Uncertain significance. Last evaluated: 2026-05-30. Review status: criteria provided, single submitter. Criteria: Ambry Variant Classification Scheme 2023. Collection method: clinical testing. Allele origin: germline.
Comment: The p.V569L variant (also known as c.1705G>C), located in coding exon 7 of the WNK2 gene, results from a G to C substitution at nucleotide position 1705. The valine at codon 569 is replaced by leucine, an amino acid with highly similar properties. This amino acid position is conserved. In addition, this alteration is predicted to be tolerated by in silico analysis. Based on the available evidence, the clinical significance of this variant remains unclear.

NM_006648.4(WNK2):c.1705G>C (p.Val569Leu)

Gene: WNK2 (WNK lysine deficient protein kinase 2; plus strand). Cytogenetic location: 9q22.31.
Variant type: single nucleotide variant.
Coding change: c.1705G>C on transcript NM_006648.4 (MANE Select); coding-DNA position 1705, G replaced by C.
Protein change: p.Val569Leu; replaces valine 569 with leucine.
Molecular consequence: missense variant.
Genome position (GRCh38, 1-based): chr9:93,247,705, G>C. VCF-style: chr9-93247705-G-C. GRCh37 (hg19) VCF-style: chr9-96009987-G-C.
Other names: c.1705G>C, p.Val569Leu (NM_001282394.3); short protein forms V569L.
Identifiers: ClinVar variation 4866716 (VCV004866716.1).
Genomic context (GRCh38, chr9:93,247,705, plus strand): 5'-GCGCTGCAGCCCAAGGAGCAGCAGGATGTGGGCAGCCCGGACAAGGCCAGGGGTCCGCCG[G>C]TGCCCCTGCAGGTCCAGGTGACCTACCATGCACAGGCTGGGCAGCCCGGGCCACCAGAGC-3'
Protein context (NP_006639.3, residues 559-579): GSPDKARGPP[Val569Leu]PLQVQVTYHA